The following is an entry in ClinVar:

NM_024312.5(GNPTAB):c.2246_2263dup (p.Ile754_Thr755insLysAsnGlnAlaIleIle)

Gene: GNPTAB (N-acetylglucosamine-1-phosphate transferase subunits alpha and beta; minus strand). Cytogenetic location: 12q23.2.
Variant type: Duplication.
Coding change: c.2246_2263dup on transcript NM_024312.5 (MANE Select); coding-DNA positions 2246 to 2263, 18 bases duplicated (AAAATCAAGCTATAATAA).
Protein change: p.Ile754_Thr755insLysAsnGlnAlaIleIle.
Molecular consequence: inframe insertion.
Genome position (GRCh38, 1-based): chr12:101,764,654-101,764,671, TTATTATAGCTTGATTTT duplicated on the plus strand (AAAATCAAGCTATAATAA on the coding strand, the reverse complement: GNPTAB is on the minus strand); duplicating any 18 consecutive bases within chr12:101,764,654-101,764,676 gives the same sequence; the c. name uses the placement nearest the transcript's 3' end. VCF-style (leftmost placement, unchanged base first): chr12-101764653-G-GTTATTATAGCTTGATTTT. GRCh37 (hg19) VCF-style: chr12-102158431-G-GTTATTATAGCTTGATTTT.
Identifiers: ClinVar variation 2118033 (VCV002118033.4), dbSNP rs2547957160, ClinGen allele CA2580085667.

ClinVar aggregate classification (germline): Uncertain significance (1 of 4 stars; one submission).

Conditions:
Mucolipidosis type II. Also called: Mucolipidosis 2; ML 2; Inclusion cell disease; Leroy Disease; N-acetylglucosamine 1phosphotransferase deficiency; ML disorder type 2. Identifiers: Orphanet 576, MedGen C2673377, MONDO:0009650, OMIM 252500.
Pseudo-Hurler polydystrophy. Also called: ML IIIA; Mucolipidosis III Alpha/Beta; MUCOLIPIDOSIS IIIA; ML III; ML III ALPHA/BETA; Type III Mucolipidosis. Identifiers: Orphanet 423461, Orphanet 577, MedGen C0033788, MONDO:0018931, OMIM 252600.

Submission:

Labcorp Genetics (formerly Invitae), Labcorp
Classification: Uncertain significance for Pseudo-Hurler polydystrophy; Mucolipidosis type II. Last evaluated: 2022-03-27. Review status: criteria provided, single submitter. Criteria: Invitae Variant Classification Sherloc (09022015). Collection method: clinical testing. Allele origin: germline.
Comment: This variant, c.2246_2263dup, results in the insertion of 6 amino acid(s) of the GNPTAB protein (p.Lys749_Ile754dup), but otherwise preserves the integrity of the reading frame. This variant is not present in population databases (gnomAD no frequency). This variant has not been reported in the literature in individuals affected with GNPTAB-related conditions. In summary, the available evidence is currently insufficient to determine the role of this variant in disease. Therefore, it has been classified as a Variant of Uncertain Significance.